The following is an entry in ClinVar:

ClinVar aggregate classification (germline): Pathogenic (1 of 4 stars; one submission).

Submission:

Labcorp Genetics (formerly Invitae), Labcorp
Classification: Pathogenic. Last evaluated: 2025-12-19. Review status: criteria provided, single submitter. Criteria: Invitae Variant Classification Sherloc (09022015). Collection method: clinical testing. Allele origin: germline.
Comment: This sequence change creates a premature translational stop signal (p.Pro1284Serfs*18) in the RTTN gene. It is expected to result in an absent or disrupted protein product. Loss-of-function variants in RTTN are known to be pathogenic (PMID: 26608784, 26846091). This variant is present in population databases (no rsID available, gnomAD 0.003%). This variant has not been reported in the literature in individuals affected with RTTN-related conditions. For these reasons, this variant has been classified as Pathogenic.

Literature cited by the submitters: PubMed 26608784; PubMed 26846091.

NM_173630.4(RTTN):c.3849dup (p.Pro1284fs)

Gene: RTTN (rotatin; minus strand). Cytogenetic location: 18q22.2.
Variant type: Duplication.
Coding change: c.3849dup on transcript NM_173630.4 (MANE Select); coding-DNA position 3849, one base duplicated (T; older notation c.3849dupT).
Protein change: p.Pro1284fs; shifts the reading frame from proline 1284.
Molecular consequence: frameshift variant.
Genome position (GRCh38, 1-based): chr18:70,109,552, A duplicated on the plus strand (T on the coding strand, the reverse complement: RTTN is on the minus strand). VCF-style (leftmost placement, unchanged base first): chr18-70109551-G-GA. GRCh37 (hg19) VCF-style: chr18-67776787-G-GA.
Other names: c.1113dup, p.Pro372fs (NM_001318520.2); short protein forms P1284fs, P372fs.
Identifiers: ClinVar variation 4748787 (VCV004748787.1).